The following is an entry in ClinVar:

NM_000807.4(GABRA2):c.625G>T (p.Ala209Ser)

Gene: GABRA2 (gamma-aminobutyric acid type A receptor subunit alpha2; minus strand). Cytogenetic location: 4p12.
Variant type: single nucleotide variant.
Coding change: c.625G>T on transcript NM_000807.4 (MANE Select); coding-DNA position 625, G replaced by T.
Protein change: p.Ala209Ser; replaces alanine 209 with serine.
Molecular consequence: missense variant.
Genome position (GRCh38, 1-based): chr4:46,305,646, C>A on the plus strand (G>T on the coding strand, the complement: GABRA2 is on the minus strand). VCF-style: chr4-46305646-C-A. GRCh37 (hg19) VCF-style: chr4-46307663-C-A.
Other names: c.625G>T, p.Ala209Ser (NM_001114175.3, NM_001330690.2, NM_001377144.1 and 8 more transcripts); c.460G>T, p.Ala154Ser (NM_001286827.3, NM_001377152.1, NM_001377153.1 and 1 more transcripts); short protein forms A154S, A209S.
Identifiers: ClinVar variation 1712156 (VCV001712156.2), dbSNP rs1726554173, ClinGen allele CA356798749.

ClinVar aggregate classification (germline): Uncertain significance (1 of 4 stars; one submission).

Allele frequency attached by ClinVar (database versions not stated): gnomAD exomes below 0.00001.
gnomAD v4.1: 1 of 1,613,358 alleles (0.000062%); highest among the groups gnomAD compares: Non-Finnish European, 0.000085%; no homozygotes.

Submission:

GeneDx
Classification: Uncertain significance. Last evaluated: 2022-04-22. Review status: criteria provided, single submitter. Criteria: GeneDx Variant Classification Process June 2021. Collection method: clinical testing. Allele origin: germline. Affected: yes.
Comment: Not observed at significant frequency in large population cohorts (gnomAD); In silico analysis supports that this missense variant does not alter protein structure/function; Has not been previously published as pathogenic or benign to our knowledge